The following is an entry in ClinVar:

ClinVar aggregate classification (germline): Uncertain significance. Review status: criteria provided, multiple submitters, no conflicts (2 of 4 stars). 2 submissions from 2 submitters: Uncertain significance (2). Last evaluated 2026-04-13.

Conditions:
Inborn genetic diseases. Identifiers: MedGen C0950123, MeSH D030342.
Kostmann syndrome (SCN3). Also called: Autosomal recessive severe congenital neutropenia type 3; KOSTMANN DISEASE. Identifiers: Orphanet 99749, MedGen C5235141, MONDO:0012548, OMIM 610738.

gnomAD v4.1: 3 of 1,613,422 alleles (0.00019%); highest among the groups gnomAD compares: African/African-American, 0.0013%; no homozygotes.

Submissions (2):

Ambry Genetics
Classification: Uncertain significance for Inborn genetic diseases. Last evaluated: 2026-04-13. Review status: criteria provided, single submitter. Criteria: Ambry Variant Classification Scheme 2023. Collection method: clinical testing. Allele origin: germline.
Comment: The p.E254Q variant (also known as c.760G>C), located in coding exon 7 of the HAX1 gene, results from a G to C substitution at nucleotide position 760. The glutamic acid at codon 254 is replaced by glutamine, an amino acid with highly similar properties. This amino acid position is conserved. In addition, this alteration is predicted to be tolerated by in silico analysis. Based on the available evidence, the clinical significance of this variant remains unclear.

Labcorp Genetics (formerly Invitae), Labcorp
Classification: Uncertain significance for Kostmann syndrome. Last evaluated: 2026-01-09. Review status: criteria provided, single submitter. Criteria: Invitae Variant Classification Sherloc (09022015). Collection method: clinical testing. Allele origin: germline.
Comment: This sequence change replaces glutamic acid, which is acidic and polar, with glutamine, which is neutral and polar, at codon 254 of the HAX1 protein (p.Glu254Gln). This variant is not present in population databases (gnomAD no frequency). This variant has not been reported in the literature in individuals affected with HAX1-related conditions. Invitae Evidence Modeling of protein sequence and biophysical properties (such as structural, functional, and spatial information, amino acid conservation, physicochemical variation, residue mobility, and thermodynamic stability) indicates that this missense variant is not expected to disrupt HAX1 protein function with a negative predictive value of 80%. In summary, the available evidence is currently insufficient to determine the role of this variant in disease. Therefore, it has been classified as a Variant of Uncertain Significance.

NM_006118.4(HAX1):c.760G>C (p.Glu254Gln)

Gene: HAX1 (HCLS1 associated protein X-1; plus strand). Cytogenetic location: 1q21.3.
Variant type: single nucleotide variant.
Coding change: c.760G>C on transcript NM_006118.4 (MANE Select); coding-DNA position 760, G replaced by C.
Protein change: p.Glu254Gln; replaces glutamic acid 254 with glutamine.
Molecular consequence: missense variant.
Genome position (GRCh38, 1-based): chr1:154,275,621, G>C. VCF-style: chr1-154275621-G-C. GRCh37 (hg19) VCF-style: chr1-154248097-G-C.
Other names: c.616G>C, p.Glu206Gln (NM_001018837.2); short protein forms E254Q, E206Q.
Identifiers: ClinVar variation 4777393 (VCV004777393.2).